The following is an entry in ClinVar:

NM_017617.5(NOTCH1):c.65C>T (p.Pro22Leu)

Gene: NOTCH1 (notch receptor 1; minus strand). Cytogenetic location: 9q34.3.
Variant type: single nucleotide variant.
Coding change: c.65C>T on transcript NM_017617.5 (MANE Select); coding-DNA position 65, C replaced by T.
Protein change: p.Pro22Leu; replaces proline 22 with leucine.
Molecular consequence: missense variant.
Genome position (GRCh38, 1-based): chr9:136,544,099, G>A on the plus strand (C>T on the coding strand, the complement: NOTCH1 is on the minus strand). VCF-style: chr9-136544099-G-A. GRCh37 (hg19) VCF-style: chr9-139438551-G-A.
Other names: short protein forms P22L.
Identifiers: ClinVar variation 1754406 (VCV001754406.6), dbSNP rs769046407, ClinGen allele CA5342263.

ClinVar aggregate classification (germline): Conflicting classifications of pathogenicity. Review status: criteria provided, conflicting classifications (1 of 4 stars). 3 submissions from 3 submitters: Uncertain significance (1); Benign (1); Likely benign (1). Last evaluated 2025-01-12.

Conditions:
Familial thoracic aortic aneurysm and aortic dissection (TAAD). Also called: Thoracic aortic aneurysms and dissections. Identifiers: Orphanet 91387, MedGen C4707243, MONDO:0019625.
Adams-Oliver syndrome 5 (AOS5). Identifiers: Orphanet 974, MedGen C4014970, MONDO:0014459, OMIM 616028.

Allele frequency attached by ClinVar (database versions not stated): gnomAD exomes below 0.00001; TOPMed 0.00002; ExAC 0.00003.
gnomAD v4.1: 4 of 1,572,548 alleles (0.00025%); highest among the groups gnomAD compares: African/African-American, 0.0014%; no homozygotes.

Submissions (3):

Labcorp Genetics (formerly Invitae), Labcorp
Classification: Benign for Adams-Oliver syndrome 5. Last evaluated: 2025-01-12. Review status: criteria provided, single submitter. Criteria: Invitae Variant Classification Sherloc (09022015). Collection method: clinical testing. Allele origin: germline.

GeneDx
Classification: Uncertain significance. Last evaluated: 2023-08-09. Review status: criteria provided, single submitter. Criteria: GeneDx Variant Classification Process June 2021. Collection method: clinical testing. Allele origin: germline.
Comment: Has not been previously published as pathogenic or benign to our knowledge; Not observed at significant frequency in large population cohorts (gnomAD); In silico analysis supports that this missense variant does not alter protein structure/function

Ambry Genetics
Classification: Likely benign for Familial thoracic aortic aneurysm and aortic dissection. Last evaluated: 2021-05-06. Review status: criteria provided, single submitter. Criteria: Ambry Variant Classification Scheme 2023. Collection method: clinical testing. Allele origin: germline.